The following is an entry in ClinVar:

NM_173648.4(CCDC141):c.4243C>G (p.Leu1415Val)

Gene: CCDC141 (coiled-coil domain containing 141; minus strand). Cytogenetic location: 2q31.2.
Variant type: single nucleotide variant.
Coding change: c.4243C>G on transcript NM_173648.4 (MANE Select); coding-DNA position 4243, C replaced by G.
Protein change: p.Leu1415Val; replaces leucine 1415 with valine.
Molecular consequence: missense variant.
Genome position (GRCh38, 1-based): chr2:178,836,976, G>C on the plus strand (C>G on the coding strand, the complement: CCDC141 is on the minus strand). VCF-style: chr2-178836976-G-C. GRCh37 (hg19) VCF-style: chr2-179701703-G-C.
Other names: short protein forms L1415V.
Identifiers: ClinVar variation 2052284 (VCV002052284.4), dbSNP rs999347387, ClinGen allele CA349548268.

ClinVar aggregate classification (germline): Uncertain significance (1 of 4 stars; one submission).

gnomAD v4.1: 2 of 1,613,988 alleles (0.00012%); highest among the groups gnomAD compares: Non-Finnish European, 0.00017%; no homozygotes.

Submission:

Labcorp Genetics (formerly Invitae), Labcorp
Classification: Uncertain significance. Last evaluated: 2022-07-19. Review status: criteria provided, single submitter. Criteria: Invitae Variant Classification Sherloc (09022015). Collection method: clinical testing. Allele origin: germline.
Comment: In summary, the available evidence is currently insufficient to determine the role of this variant in disease. Therefore, it has been classified as a Variant of Uncertain Significance. Algorithms developed to predict the effect of missense changes on protein structure and function (SIFT, PolyPhen-2, Align-GVGD) all suggest that this variant is likely to be disruptive. This variant has not been reported in the literature in individuals affected with CCDC141-related conditions. This variant is not present in population databases (gnomAD no frequency). This sequence change replaces leucine, which is neutral and non-polar, with valine, which is neutral and non-polar, at codon 1415 of the CCDC141 protein (p.Leu1415Val).